The following is an entry in ClinVar:

NM_000478.6(ALPL):c.863-12_863-7delinsGATCCC

Gene: ALPL (alkaline phosphatase, biomineralization associated; plus strand). Cytogenetic location: 1p36.12.
Variant type: Indel.
Coding change: c.863-12_863-7delinsGATCCC on transcript NM_000478.6 (MANE Select); 12 bases into the intron before coding-DNA position 863 through 7 bases into the intron before coding-DNA position 863, CGTCCT replaced by GATCCC.
Molecular consequence: intron variant.
Genome position (GRCh38, 1-based): chr1:21,573,653-21,573,658, CGTCCT replaced by GATCCC. VCF-style: chr1-21573653-CGTCCT-GATCCC. GRCh37 (hg19) VCF-style: chr1-21900146-CGTCCT-GATCCC.
Other names: c.863-12_863-7delinsGATCCC (NM_001369805.2, NM_001369804.2, NM_001369803.2); c.698-12_698-7delinsGATCCC (NM_001127501.4); c.632-12_632-7delinsGATCCC (NM_001177520.3).
Identifiers: ClinVar variation 5004438 (VCV005004438.1).

ClinVar aggregate classification (germline): Uncertain significance (1 of 4 stars; one submission).

Conditions:
Hypophosphatasia. Also called: Phosphoethanol-aminuria. Identifiers: Orphanet 436, MedGen C0020630, MeSH D007014, MONDO:0018570.

Submission:

Myriad Genetics, Inc.
Classification: Uncertain significance for Hypophosphatasia. Last evaluated: 2026-01-30. Review status: criteria provided, single submitter. Criteria: Myriad Autosomal Dominant, Autosomal Recessive and X-Linked Classification Criteria (2023). Collection method: clinical testing. Allele origin: unknown.
Comment: NM_000478.4(ALPL):c.863-12_863-7del6ins6 is an intronic variant classified as a variant of uncertain significance in the context of hypophosphatasia. c.863-12_863-7del6ins6 has not been observed in cases with relevant disease. Relevant functional assessments of this variant are not available in the literature. c.863-12_863-7del6ins6 has not been observed in referenced population frequency databases. In summary, there is insufficient evidence to classify NM_000478.4(ALPL):c.863-12_863-7del6ins6 as pathogenic or benign. Please note: this variant was assessed in the context of healthy population screening.